The following is an entry in ClinVar:

ClinVar aggregate classification (germline): Benign/Likely benign. Review status: criteria provided, multiple submitters, no conflicts (2 of 4 stars). 4 submissions from 4 submitters: Benign (2); Likely benign (1). 1 of the submissions does not count toward it. Last evaluated 2025-12-26.

Conditions:
DNAH9-related disorder. Also called: DNAH9-related condition.

Allele frequency attached by ClinVar (database versions not stated): gnomAD exomes 0.00033 and 0.00087; ExAC 0.00110; 1000 Genomes Project 0.00240; 1000 Genomes Project 30x 0.00265; gnomAD 0.00384 and 0.00420; TOPMed 0.00414; ESP Exome Variant Server 0.00507.
gnomAD v4.1: 1,090 of 1,613,498 alleles (0.068%); highest among the groups gnomAD compares: African/African-American, 1.3%; 7 homozygotes.

Submissions (4):

Labcorp Genetics (formerly Invitae), Labcorp
Classification: Benign. Last evaluated: 2025-12-26. Review status: criteria provided, single submitter. Criteria: Invitae Variant Classification Sherloc (09022015). Collection method: clinical testing. Allele origin: germline.

Blueprint Genetics
Classification: Likely benign. Last evaluated: 2024-09-02. Review status: criteria provided, single submitter. Criteria: ACMG Guidelines, 2015. Collection method: clinical testing. Allele origin: germline.

Breakthrough Genomics
Classification: Benign. Review status: criteria provided, single submitter. Criteria: ACMG Guidelines, 2015. Collection method: not provided. Allele origin: germline. Inheritance: Autosomal recessive inheritance. Affected: yes.

PreventionGenetics, part of Exact Sciences
Classification: Benign for DNAH9-related condition. Last evaluated: 2019-08-23. Review status: no assertion criteria provided. Collection method: clinical testing. Allele origin: germline. Not counted in ClinVar's aggregate classification.
Comment: This variant is classified as benign based on ACMG/AMP sequence variant interpretation guidelines (Richards et al. 2015 PMID: 25741868, with internal and published modifications).

NM_001372.4(DNAH9):c.1704G>T (p.Leu568=)

Gene: DNAH9 (dynein axonemal heavy chain 9; plus strand). Cytogenetic location: 17p12.
Variant type: single nucleotide variant.
Coding change: c.1704G>T on transcript NM_001372.4 (MANE Select); coding-DNA position 1704, G replaced by T.
Protein change: p.Leu568=; no amino-acid change (leucine 568 retained).
Molecular consequence: synonymous variant.
Genome position (GRCh38, 1-based): chr17:11,636,702, G>T. VCF-style: chr17-11636702-G-T. GRCh37 (hg19) VCF-style: chr17-11540019-G-T.
Other names: c.1704G>T (NM_001372.3).
Identifiers: ClinVar variation 1666060 (VCV001666060.12), dbSNP rs150122579, ClinGen allele CA8394942.